The following is an entry in ClinVar:

ClinVar aggregate classification (germline): Uncertain significance. Review status: criteria provided, multiple submitters, no conflicts (2 of 4 stars). 3 submissions from 3 submitters: Uncertain significance (3). Last evaluated 2026-05-07.

Conditions:
TIMP3-related disorder. Also called: TIMP3-related condition.

Allele frequency attached by ClinVar (database versions not stated): gnomAD exomes 0.00004 and 0.00003; gnomAD 0.00001; TOPMed 0.00001; ExAC 0.00003.
gnomAD v4.1: 55 of 1,613,956 alleles (0.0034%); highest among the groups gnomAD compares: Non-Finnish European, 0.0045%; no homozygotes.

Submissions (3):

PreventionGenetics, part of Exact Sciences
Classification: Uncertain significance for TIMP3-related condition. Last evaluated: 2026-05-07. Review status: criteria provided, single submitter. Criteria: ACMG Guidelines, 2015. Collection method: clinical testing. Allele origin: germline.
Comment: The TIMP3 c.557G>A variant is predicted to result in the amino acid substitution p.Arg186Gln. To our knowledge, this variant has not been reported in the literature. This variant is reported in 0.0099% of alleles in individuals of Ashkenazi Jewish descent in gnomAD. At this time, the clinical significance of this variant is uncertain due to the absence of conclusive functional and genetic evidence.

Ambry Genetics
Classification: Uncertain significance. Last evaluated: 2025-10-23. Review status: criteria provided, single submitter. Criteria: Ambry Variant Classification Scheme 2023. Collection method: clinical testing. Allele origin: germline.

Labcorp Genetics (formerly Invitae), Labcorp
Classification: Uncertain significance. Last evaluated: 2022-07-06. Review status: criteria provided, single submitter. Criteria: Invitae Variant Classification Sherloc (09022015). Collection method: clinical testing. Allele origin: germline.
Comment: This variant is present in population databases (rs765470296, gnomAD 0.01%). Algorithms developed to predict the effect of missense changes on protein structure and function (SIFT, PolyPhen-2, Align-GVGD) all suggest that this variant is likely to be tolerated. This variant has not been reported in the literature in individuals affected with TIMP3-related conditions. ClinVar contains an entry for this variant (Variation ID: 847790). This sequence change replaces arginine, which is basic and polar, with glutamine, which is neutral and polar, at codon 186 of the TIMP3 protein (p.Arg186Gln). In summary, the available evidence is currently insufficient to determine the role of this variant in disease. Therefore, it has been classified as a Variant of Uncertain Significance. Algorithms developed to predict the effect of sequence changes on RNA splicing suggest that this variant may create or strengthen a splice site.

NM_000362.5(TIMP3):c.557G>A (p.Arg186Gln)

Genes: SYN3 (synapsin III; minus strand), TIMP3 (TIMP metallopeptidase inhibitor 3; plus strand). Cytogenetic location: 22q12.3.
Variant type: single nucleotide variant.
Coding change: c.557G>A on transcript NM_000362.5 (MANE Select); coding-DNA position 557, G replaced by A.
Protein change: p.Arg186Gln; replaces arginine 186 with glutamine.
Molecular consequence: missense variant. On other transcripts: intron variant (7).
Genome position (GRCh38, 1-based): chr22:32,859,298, G>A. VCF-style: chr22-32859298-G-A. GRCh37 (hg19) VCF-style: chr22-33255285-G-A.
Other names: c.708+5617C>T (NM_001369909.1, NM_001135774.2, NM_001369910.1); c.711+5617C>T (NM_001369907.1, NM_003490.4, NM_001369908.1 and 1 more transcripts); short protein forms R186Q.
Identifiers: ClinVar variation 847790 (VCV000847790.11), dbSNP rs765470296, ClinGen allele CA10202285.